The following is an entry in ClinVar:

ClinVar aggregate classification (germline): Uncertain significance (1 of 4 stars; one submission).

Conditions:
Hereditary cancer-predisposing syndrome. Also called: Neoplastic Syndromes, Hereditary; Tumor predisposition; Hereditary Cancer Syndrome; Hereditary neoplastic syndrome. Identifiers: Orphanet 140162, MedGen C0027672, MeSH D009386, MONDO:0015356.

Allele frequency attached by ClinVar (database versions not stated): TOPMed below 0.00001; ExAC 0.00002; ESP Exome Variant Server 0.00008.

Submission:

Ambry Genetics
Classification: Uncertain significance for Hereditary cancer-predisposing syndrome. Last evaluated: 2022-05-12. Review status: criteria provided, single submitter. Criteria: Ambry Variant Classification Scheme 2023. Collection method: clinical testing. Allele origin: germline.
Comment: The p.E1135K variant (also known as c.3403G>A), located in coding exon 19 of the BRIP1 gene, results from a G to A substitution at nucleotide position 3403. The glutamic acid at codon 1135 is replaced by lysine, an amino acid with similar properties. This amino acid position is conserved. In addition, the in silico prediction for this alteration is inconclusive. Since supporting evidence is limited at this time, the clinical significance of this alteration remains unclear.

NM_032043.3(BRIP1):c.3403G>A (p.Glu1135Lys)

Gene: BRIP1 (BRCA1 interacting DNA helicase 1; minus strand). Cytogenetic location: 17q23.2.
Variant type: single nucleotide variant.
Coding change: c.3403G>A on transcript NM_032043.3 (MANE Select); coding-DNA position 3403, G replaced by A.
Protein change: p.Glu1135Lys; replaces glutamic acid 1135 with lysine.
Molecular consequence: missense variant.
Genome position (GRCh38, 1-based): chr17:61,683,643, C>T on the plus strand (G>A on the coding strand, the complement: BRIP1 is on the minus strand). VCF-style: chr17-61683643-C-T. GRCh37 (hg19) VCF-style: chr17-59761004-C-T.
Other names: short protein forms E1135K.
Identifiers: ClinVar variation 1731099 (VCV001731099.2), dbSNP rs369340444, ClinGen allele CA8690366.